The following is an entry in ClinVar:

NM_138694.4(PKHD1):c.3421del (p.Val1141fs)

Gene: PKHD1 (PKHD1 ciliary IPT domain containing fibrocystin/polyductin; minus strand). Cytogenetic location: 6p12.2.
Variant type: Deletion.
Coding change: c.3421del on transcript NM_138694.4 (MANE Select); coding-DNA position 3421, one base deleted (G; older notation c.3421delG).
Protein change: p.Val1141fs; shifts the reading frame from valine 1141.
Molecular consequence: frameshift variant.
Genome position (GRCh38, 1-based): chr6:52,028,295, C deleted on the plus strand (G on the coding strand, the reverse complement: PKHD1 is on the minus strand). VCF-style (leftmost placement, unchanged base first): chr6-52028294-AC-A. GRCh37 (hg19) VCF-style: chr6-51893092-AC-A.
Other names: c.3421del, p.Val1141fs (NM_170724.3); short protein forms V1141fs.
Identifiers: ClinVar variation 2677775 (VCV002677775.2), dbSNP rs2532791702, ClinGen allele CA2695198876.

ClinVar aggregate classification (germline): Pathogenic/Likely pathogenic. Review status: criteria provided, multiple submitters, no conflicts (2 of 4 stars). 2 submissions from 2 submitters: Pathogenic (1); Likely pathogenic (1). Last evaluated 2025-10-25.

Conditions:
Polycystic kidney disease 4 (PKD4). Also called: POLYCYSTIC KIDNEY AND HEPATIC DISEASE 1; POLYCYSTIC KIDNEY DISEASE, INFANTILE, TYPE I; PKD3; POLYCYSTIC KIDNEY DISEASE 4 WITH OR WITHOUT POLYCYSTIC LIVER DISEASE; Autosomal Recessive Polycystic Kidney Disease – PKHD1. Identifiers: MedGen C4540575, MONDO:0033004, OMIM 263200.

Submissions (2):

Myriad Genetics, Inc.
Classification: Pathogenic for Polycystic kidney disease 4. Last evaluated: 2025-10-25. Review status: criteria provided, single submitter. Criteria: Myriad Autosomal Dominant, Autosomal Recessive and X-Linked Classification Criteria (2023). Collection method: clinical testing. Allele origin: unknown.
Comment: NM_138694.3(PKHD1):c.3421delG(V1141Wfs*79) is expected to be pathogenic in the context of autosomal recessive polycystic kidney disease, PKHD1-related. This variant is predicted to lead to an abnormal or absent protein product due to the creation of a premature termination codon in PKHD1, a gene where loss-of-function variants are known to be pathogenic. Please note: this variant was assessed in the context of healthy population screening.

Baylor Genetics
Classification: Likely pathogenic for Polycystic kidney disease 4. Last evaluated: 2023-10-05. Review status: criteria provided, single submitter. Criteria: ACMG Guidelines, 2015. Collection method: clinical testing. Allele origin: unknown.